The following is an entry in ClinVar:

NM_001388419.1(KALRN):c.5340T>C (p.Leu1780=)

Gene: KALRN (kalirin RhoGEF kinase; plus strand). Cytogenetic location: 3q21.2.
Variant type: single nucleotide variant.
Coding change: c.5340T>C on transcript NM_001388419.1 (MANE Select); coding-DNA position 5340, T replaced by C.
Protein change: p.Leu1780=; no amino-acid change (leucine 1780 retained).
Molecular consequence: synonymous variant.
Genome position (GRCh38, 1-based): chr3:124,632,577, T>C. VCF-style: chr3-124632577-T-C. GRCh37 (hg19) VCF-style: chr3-124351424-T-C.
Other names: c.5334T>C, p.Leu1778= (NM_001024660.5, NM_001322988.2); c.243T>C, p.Leu81= (NM_001322993.2, NM_001322994.2, NM_001322995.2 and 7 more transcripts); c.3411T>C, p.Leu1137= (NM_001388412.1).
Identifiers: ClinVar variation 3058893 (VCV003058893.2), dbSNP rs1660038, ClinGen allele CA2580427.

ClinVar aggregate classification (germline): Benign (0 of 4 stars; one submission).

Conditions:
KALRN-related disorder. Also called: KALRN-related condition.

Allele frequency attached by ClinVar (database versions not stated): ESP Exome Variant Server 0.63525; TOPMed 0.66097; 1000 Genomes Project 30x 0.70347; 1000 Genomes Project 0.70767.
gnomAD v4.1: 945,675 of 1,613,820 alleles (59%); highest among the groups gnomAD compares: East Asian, 90%; 282,513 homozygotes.

Submission:

PreventionGenetics, part of Exact Sciences
Classification: Benign for KALRN-related condition. Last evaluated: 2019-10-17. Review status: no assertion criteria provided. Collection method: clinical testing. Allele origin: germline.
Comment: This variant is classified as benign based on ACMG/AMP sequence variant interpretation guidelines (Richards et al. 2015 PMID: 25741868, with internal and published modifications).